The following is an entry in ClinVar:

NC_000019.9:g.(?_1399127)_(1401720_?)del

Gene: GAMT (guanidinoacetate N-methyltransferase; minus strand). Cytogenetic location: 19p13.3.
Variant type: Deletion.
Identifiers: ClinVar variation 3248519 (VCV003248519.1).

ClinVar aggregate classification (germline): Pathogenic (1 of 4 stars; one submission).

Conditions:
Cerebral creatine deficiency syndrome. Also called: Creatine deficiency syndromes. Identifiers: Orphanet 79172, MedGen C5244016, MONDO:0000456.

Submission:

Labcorp Genetics (formerly Invitae), Labcorp
Classification: Pathogenic for Cerebral creatine deficiency syndrome. Last evaluated: 2023-10-19. Review status: criteria provided, single submitter. Criteria: Invitae Variant Classification Sherloc (09022015). Collection method: clinical testing. Allele origin: unknown.
Comment: This variant is a gross deletion of the genomic region encompassing exon(s) 1-4 of the GAMT gene, which includes the initiator codon. This deletion extends beyond the assayed region for this gene and therefore may encompass additional genes. It is expected to result in an absent or disrupted protein product. Loss-of-function variants in GAMT are known to be pathogenic (PMID: 15108290). This variant has not been reported in the literature in individuals affected with GAMT-related conditions. For these reasons, this variant has been classified as Pathogenic.

Literature cited by the submitters: PubMed 15108290.